The following is an entry in ClinVar:

NM_013276.4(SHPK):c.1232A>G (p.His411Arg)

Gene: SHPK (sedoheptulokinase; minus strand). Cytogenetic location: 17p13.2.
Variant type: single nucleotide variant.
Coding change: c.1232A>G on transcript NM_013276.4 (MANE Select); coding-DNA position 1232, A replaced by G.
Protein change: p.His411Arg; replaces histidine 411 with arginine.
Molecular consequence: missense variant.
Genome position (GRCh38, 1-based): chr17:3,610,765, T>C on the plus strand (A>G on the coding strand, the complement: SHPK is on the minus strand). VCF-style: chr17-3610765-T-C. GRCh37 (hg19) VCF-style: chr17-3514059-T-C.
Other names: c.1232A>G (NM_013276.2); short protein forms H411R.
Identifiers: ClinVar variation 1491210 (VCV001491210.9), dbSNP rs1038157877, ClinGen allele CA287027207.

ClinVar aggregate classification (germline): Uncertain significance. Review status: criteria provided, multiple submitters, no conflicts (2 of 4 stars). 2 submissions from 2 submitters: Uncertain significance (2). Last evaluated 2025-04-18.

Allele frequency attached by ClinVar (database versions not stated): gnomAD exomes 0.00002.
gnomAD v4.1: 27 of 1,613,960 alleles (0.0017%); highest among the groups gnomAD compares: African/African-American, 0.004%; no homozygotes.

Submissions (2):

Ambry Genetics
Classification: Uncertain significance. Last evaluated: 2025-04-18. Review status: criteria provided, single submitter. Criteria: Ambry Variant Classification Scheme 2023. Collection method: clinical testing. Allele origin: germline.

Labcorp Genetics (formerly Invitae), Labcorp
Classification: Uncertain significance. Last evaluated: 2022-07-06. Review status: criteria provided, single submitter. Criteria: Invitae Variant Classification Sherloc (09022015). Collection method: clinical testing. Allele origin: germline.
Comment: In summary, the available evidence is currently insufficient to determine the role of this variant in disease. Therefore, it has been classified as a Variant of Uncertain Significance. Algorithms developed to predict the effect of missense changes on protein structure and function (SIFT, PolyPhen-2, Align-GVGD) all suggest that this variant is likely to be tolerated. ClinVar contains an entry for this variant (Variation ID: 1491210). This variant has not been reported in the literature in individuals affected with SHPK-related conditions. This variant is not present in population databases (gnomAD no frequency). This sequence change replaces histidine, which is basic and polar, with arginine, which is basic and polar, at codon 411 of the SHPK protein (p.His411Arg).